The following is an entry in ClinVar:

ClinVar aggregate classification (germline): Likely benign. Review status: criteria provided, multiple submitters, no conflicts (2 of 4 stars). 2 submissions from 2 submitters: Likely benign (2). Last evaluated 2026-07-22.

Conditions:
DROSHA-related disorder. Also called: DROSHA-related condition.

Allele frequency attached by ClinVar (database versions not stated): gnomAD 0.00018; 1000 Genomes Project 0.00020; TOPMed 0.00020; ESP Exome Variant Server 0.00025; ExAC 0.00004; 1000 Genomes Project 30x 0.00016.
gnomAD v4.1: 66 of 1,612,808 alleles (0.0041%); highest among the groups gnomAD compares: African/African-American, 0.078%; 1 homozygote.

Submissions (2):

PreventionGenetics, part of Exact Sciences
Classification: Likely benign for DROSHA-related condition. Last evaluated: 2026-07-22. Review status: criteria provided, single submitter. Criteria: ACMG Guidelines, 2015. Collection method: clinical testing. Allele origin: germline.
Comment: This variant is classified as likely benign based on ACMG/AMP sequence variant interpretation guidelines (Richards et al. 2015 PMID: 25741868, with internal and published modifications).

Ambry Genetics
Classification: Likely benign. Last evaluated: 2025-02-12. Review status: criteria provided, single submitter. Criteria: Ambry Variant Classification Scheme 2023. Collection method: clinical testing. Allele origin: germline.

NM_001382508.1(DROSHA):c.527A>G (p.Asn176Ser)

Gene: DROSHA (drosha ribonuclease III; minus strand). Cytogenetic location: 5p13.3.
Variant type: single nucleotide variant.
Coding change: c.527A>G on transcript NM_001382508.1 (MANE Select); coding-DNA position 527, A replaced by G.
Protein change: p.Asn176Ser; replaces asparagine 176 with serine.
Molecular consequence: missense variant.
Genome position (GRCh38, 1-based): chr5:31,526,406, T>C on the plus strand (A>G on the coding strand, the complement: DROSHA is on the minus strand). VCF-style: chr5-31526406-T-C. GRCh37 (hg19) VCF-style: chr5-31526513-T-C.
Other names: c.527A>G, p.Asn176Ser (NM_001100412.2, NM_013235.5); short protein forms N176S.
Identifiers: ClinVar variation 2629239 (VCV002629239.4), dbSNP rs138754603, ClinGen allele CA3217936.